The following is an entry in ClinVar:

NM_002838.5(PTPRC):c.2654T>C (p.Val885Ala)

Gene: PTPRC (protein tyrosine phosphatase receptor type C; plus strand). Cytogenetic location: 1q32.1.
Variant type: single nucleotide variant.
Coding change: c.2654T>C on transcript NM_002838.5 (MANE Select); coding-DNA position 2654, T replaced by C.
Protein change: p.Val885Ala; replaces valine 885 with alanine.
Molecular consequence: missense variant.
Genome position (GRCh38, 1-based): chr1:198,742,324, T>C. VCF-style: chr1-198742324-T-C. GRCh37 (hg19) VCF-style: chr1-198711453-T-C.
Other names: c.2171T>C, p.Val724Ala (NM_080921.4); c.2648T>C (NM_002838.3); short protein forms V724A, V885A.
Identifiers: ClinVar variation 2181113 (VCV002181113.5), dbSNP rs552482393, ClinGen allele CA1315201.

ClinVar aggregate classification (germline): Uncertain significance. Review status: criteria provided, multiple submitters, no conflicts (2 of 4 stars). 2 submissions from 2 submitters: Uncertain significance (2). Last evaluated 2022-02-25.

Conditions:
Inborn genetic diseases. Identifiers: MedGen C0950123, MeSH D030342.
Immunodeficiency 104. Also called: IMMUNODEFICIENCY 104, SEVERE COMBINED; Severe Combined Immune Deficiency, Autosomal Recessive, TCell -Negative, B Cell-Positive, NK Cell-Positive, IL7R-Related; Severe combined immunodeficiency, autosomal recessive, T cell-negative, B cell-positive, NK cell-positive; SCID, AUTOSOMAL RECESSIVE, T CELL-NEGATIVE, B CELL-POSITIVE, NK CELL-POSITIVE. Identifiers: MedGen C5676890, MONDO:0012163, OMIM 608971.

Allele frequency attached by ClinVar (database versions not stated): TOPMed below 0.00001; gnomAD 0.00001; gnomAD exomes 0.00001; ExAC 0.00002; 1000 Genomes Project 0.00020; 1000 Genomes Project 30x 0.00031.
gnomAD v4.1: 5 of 1,612,322 alleles (0.00031%); highest among the groups gnomAD compares: Admixed American, 0.0033%; no homozygotes.

Submissions (2):

Labcorp Genetics (formerly Invitae), Labcorp
Classification: Uncertain significance for Immunodeficiency 104. Last evaluated: 2022-02-25. Review status: criteria provided, single submitter. Criteria: Invitae Variant Classification Sherloc (09022015). Collection method: clinical testing. Allele origin: germline.
Comment: This variant is present in population databases (rs552482393, gnomAD 0.007%). In summary, the available evidence is currently insufficient to determine the role of this variant in disease. Therefore, it has been classified as a Variant of Uncertain Significance. Algorithms developed to predict the effect of missense changes on protein structure and function (SIFT, PolyPhen-2, Align-GVGD) all suggest that this variant is likely to be disruptive. This variant has not been reported in the literature in individuals affected with PTPRC-related conditions. This sequence change replaces valine, which is neutral and non-polar, with alanine, which is neutral and non-polar, at codon 885 of the PTPRC protein (p.Val885Ala).

Ambry Genetics
Classification: Uncertain significance for Inborn genetic diseases. Last evaluated: 2021-12-17. Review status: criteria provided, single submitter. Criteria: Ambry Variant Classification Scheme 2023. Collection method: clinical testing. Allele origin: germline.